The following is an entry in ClinVar:

NM_000237.3(LPL):c.1342G>A (p.Glu448Lys)

Gene: LPL (lipoprotein lipase; plus strand). Cytogenetic location: 8p21.3.
Variant type: single nucleotide variant.
Coding change: c.1342G>A on transcript NM_000237.3 (MANE Select); coding-DNA position 1342, G replaced by A.
Protein change: p.Glu448Lys; replaces glutamic acid 448 with lysine.
Molecular consequence: missense variant.
Genome position (GRCh38, 1-based): chr8:19,962,134, G>A. VCF-style: chr8-19962134-G-A. GRCh37 (hg19) VCF-style: chr8-19819645-G-A.
Other names: short protein forms E448K.
Identifiers: ClinVar variation 1684868 (VCV001684868.3), dbSNP rs149089920, ClinGen allele CA4655717.

ClinVar aggregate classification (germline): Uncertain significance. Review status: criteria provided, multiple submitters, no conflicts (2 of 4 stars). 2 submissions from 2 submitters: Uncertain significance (2). Last evaluated 2022-05-04.

Conditions:
Cardiovascular phenotype. Identifiers: MedGen CN230736.

Allele frequency attached by ClinVar (database versions not stated): gnomAD exomes 0.00001 and 0.00006; ExAC 0.00007; ESP Exome Variant Server 0.00008; 1000 Genomes Project 30x 0.00016; TOPMed 0.00019; 1000 Genomes Project 0.00020; gnomAD 0.00020 and 0.00021.
gnomAD v4.1: 55 of 1,613,310 alleles (0.0034%); highest among the groups gnomAD compares: African/African-American, 0.06%; no homozygotes.

Submissions (2):

Mendelics
Classification: Uncertain significance. Last evaluated: 2022-05-04. Review status: criteria provided, single submitter. Criteria: Mendelics Assertion Criteria 2019. Collection method: clinical testing. Allele origin: germline.

Ambry Genetics
Classification: Uncertain significance for Cardiovascular phenotype. Last evaluated: 2019-04-18. Review status: criteria provided, single submitter. Criteria: Ambry Variant Classification Scheme 2023. Collection method: clinical testing. Allele origin: germline.
Comment: The p.E448K variant (also known as c.1342G>A), located in coding exon 9 of the LPL gene, results from a G to A substitution at nucleotide position 1342. The glutamic acid at codon 448 is replaced by lysine, an amino acid with similar properties. The variant was detected in relatives of the proband with hypertriglyceridemia, and was reported to result in moderately reduced enzyme activity in vitro (Henderson H et al. Clin. Chim. Acta, 1998 Jan;269:1-12). Additional assays indicate this variant may impair the binding of LPL to GPIHBP1 and consequently its transport into capillaries (Voss CV et al. Proc. Natl. Acad. Sci. U.S.A., 2011 May;108:7980-4). This amino acid position is not well conserved in available vertebrate species. In addition, the in silico prediction for this alteration is inconclusive. Since supporting evidence is limited at this time, the clinical significance of this alteration remains unclear.

Literature cited by the submitters: PubMed 21518912 (cited by Ambry Genetics); PubMed 25626708 (cited by Ambry Genetics); PubMed 27055971 (cited by Ambry Genetics); PubMed 27494936 (cited by Ambry Genetics); PubMed 9498099 (cited by Ambry Genetics).